The following is an entry in ClinVar:

NM_000548.5(TSC2):c.921C>A (p.His307Gln)

Gene: TSC2 (TSC complex subunit 2; plus strand). Cytogenetic location: 16p13.3.
Variant type: single nucleotide variant.
Coding change: c.921C>A on transcript NM_000548.5 (MANE Select); coding-DNA position 921, C replaced by A.
Protein change: p.His307Gln; replaces histidine 307 with glutamine.
Molecular consequence: missense variant.
Genome position (GRCh38, 1-based): chr16:2,058,819, C>A. VCF-style: chr16-2058819-C-A. GRCh37 (hg19) VCF-style: chr16-2108820-C-A.
Other names: c.921C>A, p.His307Gln (NM_001406665.1, NM_021055.3, NM_001077183.3 and 6 more transcripts); c.1011C>A, p.His337Gln (NM_001406667.1, NM_001406668.1); c.810C>A, p.His270Gln (NM_001406670.1, NM_001406678.1, NM_001318827.2); c.864C>A, p.His288Gln (NM_001406677.1); c.774C>A, p.His258Gln (NM_001406679.1, NM_001406675.1, NM_001406676.1 and 1 more transcripts); c.909C>A, p.His303Gln (NM_001406671.1, NM_001406673.1); c.321C>A, p.His107Gln (NM_001406680.1, NM_001406682.1, NM_001406683.1 and 6 more transcripts); c.459C>A, p.His153Gln (NM_001406681.1); and 4 more; short protein forms H337Q, H270Q, H303Q, H153Q, H258Q, H288Q, H107Q, H307Q.
Identifiers: ClinVar variation 2057881 (VCV002057881.4), dbSNP rs878854121, ClinGen allele CA394315395.

ClinVar aggregate classification (germline): Uncertain significance (1 of 4 stars; one submission).

Conditions:
Tuberous sclerosis 2 (TSC2). Identifiers: Orphanet 805, MedGen C1860707, MONDO:0013199, OMIM 613254.

gnomAD v4.1: 7 of 1,603,120 alleles (0.00044%); highest among the groups gnomAD compares: Non-Finnish European, 0.0006%; no homozygotes.

Submission:

Labcorp Genetics (formerly Invitae), Labcorp
Classification: Uncertain significance for Tuberous sclerosis 2. Last evaluated: 2024-03-12. Review status: criteria provided, single submitter. Criteria: Invitae Variant Classification Sherloc (09022015). Collection method: clinical testing. Allele origin: germline.
Comment: This sequence change replaces histidine, which is basic and polar, with glutamine, which is neutral and polar, at codon 307 of the TSC2 protein (p.His307Gln). This variant is not present in population databases (gnomAD no frequency). This variant has not been reported in the literature in individuals affected with TSC2-related conditions. ClinVar contains an entry for this variant (Variation ID: 2057881). Advanced modeling of protein sequence and biophysical properties (such as structural, functional, and spatial information, amino acid conservation, physicochemical variation, residue mobility, and thermodynamic stability) performed at Invitae indicates that this missense variant is not expected to disrupt TSC2 protein function with a negative predictive value of 95%. In summary, the available evidence is currently insufficient to determine the role of this variant in disease. Therefore, it has been classified as a Variant of Uncertain Significance.